The following is an entry in ClinVar:

NM_000388.4(CASR):c.1608+5G>A

Gene: CASR (calcium sensing receptor; plus strand). Cytogenetic location: 3q21.1.
Variant type: single nucleotide variant.
Coding change: c.1608+5G>A on transcript NM_000388.4 (MANE Select); 5 bases into the intron after coding-DNA position 1608, G replaced by A.
Molecular consequence: intron variant.
Genome position (GRCh38, 1-based): chr3:122,276,047, G>A. VCF-style: chr3-122276047-G-A. GRCh37 (hg19) VCF-style: chr3-121994894-G-A.
Other names: c.1608+5G>A (NM_000388.3, NM_001178065.2).
Identifiers: ClinVar variation 1497367 (VCV001497367.8), dbSNP rs2107643797, ClinGen allele CA2573136465.

ClinVar aggregate classification (germline): Uncertain significance. Review status: criteria provided, multiple submitters, no conflicts (2 of 4 stars). 3 submissions from 3 submitters: Uncertain significance (3). Last evaluated 2025-06-03.

Conditions:
Autosomal dominant hypocalcemia 1 (HYPOC1). Also called: HYPOCALCEMIA, FAMILIAL. Identifiers: MedGen C3715128, MONDO:0011013, OMIM 601198.
Familial hypocalciuric hypercalcemia (FHH). Also called: Familial benign hypercalcemia. Identifiers: Orphanet 405, MedGen C1809471, MONDO:0018458.

Submissions (3):

Women's Health and Genetics/Laboratory Corporation of America, LabCorp
Classification: Uncertain significance. Last evaluated: 2025-06-03. Review status: criteria provided, single submitter. Criteria: LabCorp Variant Classification Summary - May 2015. Collection method: clinical testing. Allele origin: germline.
Comment: Variant summary: CASR c.1608+5G>A alters a conserved nucleotide located close to a canonical splice site and therefore could affect mRNA splicing, leading to a significantly altered protein sequence. Several computational tools predict a significant impact on normal splicing: Four predict the variant weakens a 5' donor site. However, these predictions have yet to be confirmed by functional studies. The variant was absent in 250188 control chromosomes. The available data on variant occurrences in the general population are insufficient to allow any conclusion about variant significance. To our knowledge, no occurrence of c.1608+5G>A in individuals affected with Autosomal Dominant Hypocalcemia and no experimental evidence demonstrating its impact on protein function have been reported. ClinVar contains an entry for this variant (Variation ID: 1497367). Based on the evidence outlined above, the variant was classified as uncertain significance.

Labcorp Genetics (formerly Invitae), Labcorp
Classification: Uncertain significance for Familial hypocalciuric hypercalcemia; Autosomal dominant hypocalcemia 1. Last evaluated: 2024-05-01. Review status: criteria provided, single submitter. Criteria: Invitae Variant Classification Sherloc (09022015). Collection method: clinical testing. Allele origin: germline.
Comment: This sequence change falls in intron 5 of the CASR gene. It does not directly change the encoded amino acid sequence of the CASR protein. It affects a nucleotide within the consensus splice site. This variant is not present in population databases (gnomAD no frequency). This variant has been observed in individual(s) with clinical features of hypocalciuric hypercalcemia (Invitae). ClinVar contains an entry for this variant (Variation ID: 1497367). Variants that disrupt the consensus splice site are a relatively common cause of aberrant splicing (PMID: 17576681, 9536098). Algorithms developed to predict the effect of sequence changes on RNA splicing suggest that this variant may disrupt the consensus splice site. In summary, the available evidence is currently insufficient to determine the role of this variant in disease. Therefore, it has been classified as a Variant of Uncertain Significance.

Athena Diagnostics
Classification: Uncertain significance. Last evaluated: 2022-10-06. Review status: criteria provided, single submitter. Criteria: Athena Diagnostics Criteria. Collection method: clinical testing. Allele origin: unknown.
Comment: Available data are insufficient to determine the clinical significance of the variant at this time. This variant has been identified in at least one individual with clinical features associated with this gene. This variant has not been reported in large, multi-ethnic general populations. Computational tools yielded predictions that this variant may interfere with normal RNA splicing.

Literature cited by the submitters: PubMed 17576681 (cited by Labcorp Genetics (formerly Invitae), Labcorp); PubMed 9536098 (cited by Labcorp Genetics (formerly Invitae), Labcorp).